The following is an entry in ClinVar:

ClinVar aggregate classification (germline): Pathogenic (1 of 4 stars; one submission).

Conditions:
Bloom syndrome (BLM). Also called: Bloom-Torre-Machacek syndrome. Identifiers: Orphanet 125, MedGen C0005859, MONDO:0008876, OMIM 210900.

Submission:

Labcorp Genetics (formerly Invitae), Labcorp
Classification: Pathogenic for Bloom syndrome. Last evaluated: 2023-08-24. Review status: criteria provided, single submitter. Criteria: Invitae Variant Classification Sherloc (09022015). Collection method: clinical testing. Allele origin: germline.
Comment: For these reasons, this variant has been classified as Pathogenic. ClinVar contains an entry for this variant (Variation ID: 1455859). This variant has not been reported in the literature in individuals affected with BLM-related conditions. This variant is not present in population databases (gnomAD no frequency). This sequence change creates a premature translational stop signal (p.Glu332Argfs*17) in the BLM gene. It is expected to result in an absent or disrupted protein product. Loss-of-function variants in BLM are known to be pathogenic (PMID: 17407155).

Literature cited by the submitters: PubMed 17407155.

NM_000057.4(BLM):c.993del (p.Glu332fs)

Gene: BLM (BLM RecQ like helicase; plus strand). Cytogenetic location: 15q26.1.
Variant type: Deletion.
Coding change: c.993del on transcript NM_000057.4 (MANE Select); coding-DNA position 993, one base deleted (A; older notation c.993delA).
Protein change: p.Glu332fs; shifts the reading frame from glutamic acid 332.
Molecular consequence: frameshift variant. On other transcripts: 5 prime UTR variant (1).
Genome position (GRCh38, 1-based): chr15:90,754,844, A deleted; the last of 4 consecutive A bases (chr15:90,754,841-90,754,844); deleting any one gives the same sequence. VCF-style (leftmost placement, unchanged base first): chr15-90754840-GA-G. GRCh37 (hg19) VCF-style: chr15-91298070-GA-G.
Other names: c.993del, p.Glu332fs (NM_001287246.2, NM_001287247.2); c.-299del (NM_001287248.2); short protein forms E332fs.
Identifiers: ClinVar variation 1455859 (VCV001455859.6), dbSNP rs2151152131, ClinGen allele CA2573151405.